The following is an entry in ClinVar:

NM_000138.5(FBN1):c.1165dup (p.Cys389fs)

Gene: FBN1 (fibrillin 1; minus strand). Cytogenetic location: 15q21.1.
Variant type: Duplication.
Coding change: c.1165dup on transcript NM_000138.5 (MANE Select); coding-DNA position 1165, one base duplicated (T; older notation c.1165dupT).
Protein change: p.Cys389fs; shifts the reading frame from cysteine 389.
Molecular consequence: frameshift variant.
Genome position (GRCh38, 1-based): chr15:48,516,345, A duplicated on the plus strand (T on the coding strand, the reverse complement: FBN1 is on the minus strand). VCF-style (leftmost placement, unchanged base first): chr15-48516344-C-CA. GRCh37 (hg19) VCF-style: chr15-48808541-C-CA.
Other names: c.1165dup, p.Cys389fs (NM_001406716.1); short protein forms C389fs.
Identifiers: ClinVar variation 2943988 (VCV002943988.3), dbSNP rs2505619970, ClinGen allele CA2740096685.
Genomic context (GRCh38, chr15:48,516,344, plus strand): 5'-ATGGGGCCAAGGGGTGGGGGAGGATATTCTGGTCTCCCAGGAATTACCATAGGAACAGAG[C>CA]ACAGCTTGTTGAAATCCTCTAGAAAAACACAACAAAACAAAACACAACAGCTGAGCTGTA-3'

ClinVar aggregate classification (germline): Pathogenic (1 of 4 stars; one submission).

Conditions:
Marfan syndrome (MFS). Also called: MARFAN SYNDROME, TYPE I; Marfan syndrome type 1; Marfan's syndrome; Marfan syndrome, classic; FBN1-Related Marfan Syndrome. Identifiers: Orphanet 284963, Orphanet 558, MedGen C0024796, MONDO:0007947, OMIM 154700.
Familial thoracic aortic aneurysm and aortic dissection (TAAD). Also called: Thoracic aortic aneurysms and dissections. Identifiers: Orphanet 91387, MedGen C4707243, MONDO:0019625.

Submission:

Labcorp Genetics (formerly Invitae), Labcorp
Classification: Pathogenic for Marfan syndrome; Familial thoracic aortic aneurysm and aortic dissection. Last evaluated: 2023-03-13. Review status: criteria provided, single submitter. Criteria: Invitae Variant Classification Sherloc (09022015). Collection method: clinical testing. Allele origin: germline.
Comment: This sequence change creates a premature translational stop signal (p.Cys389Leufs*63) in the FBN1 gene. It is expected to result in an absent or disrupted protein product. Loss-of-function variants in FBN1 are known to be pathogenic (PMID: 17657824, 19293843). For these reasons, this variant has been classified as Pathogenic. This variant has not been reported in the literature in individuals affected with FBN1-related conditions. This variant is not present in population databases (gnomAD no frequency).

Literature cited by the submitters: PubMed 17657824; PubMed 19293843.